The following is an entry in ClinVar:

NM_000349.3(STAR):c.721del (p.Trp241fs)

Gene: STAR (steroidogenic acute regulatory protein; minus strand). Cytogenetic location: 8p11.23.
Variant type: Deletion.
Coding change: c.721del on transcript NM_000349.3 (MANE Select); coding-DNA position 721, one base deleted (T; older notation c.721delT).
Protein change: p.Trp241fs; shifts the reading frame from tryptophan 241.
Molecular consequence: frameshift variant.
Genome position (GRCh38, 1-based): chr8:38,145,245, A deleted on the plus strand (T on the coding strand, the reverse complement: STAR is on the minus strand). VCF-style (leftmost placement, unchanged base first): chr8-38145244-CA-C. GRCh37 (hg19) VCF-style: chr8-38002762-CA-C.
Other names: short protein forms W241fs.
Identifiers: ClinVar variation 4818228 (VCV004818228.2).

ClinVar aggregate classification (germline): Pathogenic/Likely pathogenic. Review status: criteria provided, multiple submitters, no conflicts (2 of 4 stars). 2 submissions from 2 submitters: Pathogenic (1); Likely pathogenic (1). Last evaluated 2025-12-18.

Conditions:
Congenital lipoid adrenal hyperplasia due to STAR deficency. Also called: Lipoid adrenal hyperplasia; Cholesterol monooxygenase (side-chain cleaving) deficiency; ADRENAL HYPERPLASIA I; Congenital Lipoid Adrenal Hyperplasia. Identifiers: Orphanet 418, Orphanet 90790, MedGen C0342474, MONDO:0008725, OMIM 201710.

Submissions (2):

Myriad Genetics, Inc.
Classification: Pathogenic for Congenital lipoid adrenal hyperplasia due to STAR deficency. Last evaluated: 2025-12-18. Review status: criteria provided, single submitter. Criteria: Myriad Autosomal Dominant, Autosomal Recessive and X-Linked Classification Criteria (2023). Collection method: clinical testing. Allele origin: unknown.
Comment: NM_000349.2(STAR):c.721delT(W241Gfs*80) is a readthrough frameshift variant classified as pathogenic in the context of lipoid congenital adrenal hyperplasia. W241Gfs*80 has not been observed in cases with relevant disease. Relevant functional assessments of this variant are not available in the literature. W241Gfs*80 has not been observed in referenced population frequency databases. In summary, NM_000349.2(STAR):c.721delT(W241Gfs*80) is a readthrough frameshift variant in a gene where loss of function is a known mechanism of disease and is predicted to disrupt protein function. Please note: this variant was assessed in the context of healthy population screening.

Natera, Inc.
Classification: Likely pathogenic for Congenital lipoid adrenal hyperplasia. Last evaluated: 2024-04-16. Review status: criteria provided, single submitter. Criteria: Natera Variant Classification Schema (03/2026). Collection method: clinical testing. Allele origin: germline.
Comment: The c.721delT variant in STAR is a frameshift variant predicted to elongate the protein beyond the termination codon. This variant is expected to result in nonsense mediated decay, truncation, or a dysfunctional protein product. This variant is rare in the general population with a frequency below the threshold expected for the associated phenotype(s). Given the available evidence, this variant is classified as Likely Pathogenic.